The following is an entry in ClinVar:

ClinVar aggregate classification (germline): Uncertain significance (1 of 4 stars; one submission).

gnomAD v4.1: 4 of 1,613,762 alleles (0.00025%); highest among the groups gnomAD compares: African/African-American, 0.0053%; no homozygotes.

Submission:

Labcorp Genetics (formerly Invitae), Labcorp
Classification: Uncertain significance. Last evaluated: 2024-03-05. Review status: criteria provided, single submitter. Criteria: Invitae Variant Classification Sherloc (09022015). Collection method: clinical testing. Allele origin: germline.
Comment: This sequence change replaces threonine, which is neutral and polar, with isoleucine, which is neutral and non-polar, at codon 3131 of the HERC1 protein (p.Thr3131Ile). This variant is present in population databases (rs558716578, gnomAD 0.02%). This variant has not been reported in the literature in individuals affected with HERC1-related conditions. Advanced modeling of protein sequence and biophysical properties (such as structural, functional, and spatial information, amino acid conservation, physicochemical variation, residue mobility, and thermodynamic stability) performed at Invitae indicates that this missense variant is expected to disrupt HERC1 protein function with a positive predictive value of 80%. In summary, the available evidence is currently insufficient to determine the role of this variant in disease. Therefore, it has been classified as a Variant of Uncertain Significance.

NM_003922.4(HERC1):c.9392C>T (p.Thr3131Ile)

Gene: HERC1 (HECT and RLD domain containing E3 ubiquitin protein ligase family member 1; minus strand). Cytogenetic location: 15q22.31.
Variant type: single nucleotide variant.
Coding change: c.9392C>T on transcript NM_003922.4 (MANE Select); coding-DNA position 9392, C replaced by T.
Protein change: p.Thr3131Ile; replaces threonine 3131 with isoleucine.
Molecular consequence: missense variant.
Genome position (GRCh38, 1-based): chr15:63,659,768, G>A on the plus strand (C>T on the coding strand, the complement: HERC1 is on the minus strand). VCF-style: chr15-63659768-G-A. GRCh37 (hg19) VCF-style: chr15-63951967-G-A.
Other names: short protein forms T3131I.
Identifiers: ClinVar variation 3719590 (VCV003719590.2).